The following is an entry in ClinVar:

ClinVar aggregate classification (germline): Conflicting classifications of pathogenicity. Review status: criteria provided, conflicting classifications (1 of 4 stars). 3 submissions from 3 submitters: Likely pathogenic (1); Uncertain significance (1). 1 of the submissions does not count toward it. Last evaluated 2025-06-13.

Conditions:
Autosomal recessive nonsyndromic hearing loss 1A (DFNB1A). Also called: GJB6-Related DFNB 1 Nonsyndromic Hearing Loss and Deafness; Deafness, autosomal recessive 1A; Deafness nonsyndromic, Connexin 26 linked; Connexin 26 deafness; Nonsyndromic Hearing Loss and Deafness, DFNB1; GJB2-Related Autosomal Recessive Nonsyndromic Hearing Loss. Identifiers: Orphanet 90636, MedGen C2673759, MONDO:0009076, OMIM 220290.
Mutilating keratoderma (VOWNKL). Also called: Keratoderma hereditarium mutilans. Identifiers: Orphanet 494, MedGen C0265964, MONDO:0007422, OMIM 124500.
Ichthyosis, hystrix-like, with hearing loss. Also called: Hystrix-like ichthyosis with deafness. Identifiers: Orphanet 477, MedGen C1865234, MONDO:0011245.
Palmoplantar keratoderma-deafness syndrome. Also called: Keratoderma palmoplantar, with deafness; Palmoplantar keratoderma and sensorineural deafness; Hereditary palmoplantar keratoderma with deafness (subtype); Focal palmoplantar keratoderma with sensorineural deafness (subtype); Diffuse palmoplantar keratoderma with deafness (subtype). Identifiers: Orphanet 2202, MedGen C1835672, MONDO:0007852, OMIM 148350.
Knuckle pads, deafness AND leukonychia syndrome. Also called: Bart-Pumphrey syndrome. Identifiers: Orphanet 2698, MedGen C0266004, MONDO:0007866, OMIM 149200.
Autosomal dominant keratitis-ichthyosis-hearing loss syndrome. Also called: HID SYNDROME; Senter syndrome; KID SYNDROME, AUTOSOMAL DOMINANT. Identifiers: Orphanet 477, MedGen C0265336, MONDO:0007850, OMIM 148210.
Autosomal dominant nonsyndromic hearing loss 3A. Identifiers: Orphanet 90635, MedGen C2675750, MONDO:0011103, OMIM 601544.

gnomAD v4.1: 3 of 1,608,056 alleles (0.00019%); highest among the groups gnomAD compares: African/African-American, 0.0027%; no homozygotes.

Submissions (3):

Women's Health and Genetics/Laboratory Corporation of America, LabCorp
Classification: Uncertain significance. Last evaluated: 2025-06-13. Review status: criteria provided, single submitter. Criteria: LabCorp Variant Classification Summary - May 2015. Collection method: clinical testing. Allele origin: germline.
Comment: Variant summary: GJB2 c.-22-2A>G is located in a canonical splice-site, upstream from the coding region of the gene, and is predicted to affect mRNA splicing resulting in a significantly altered protein due to either exon skipping, shortening, or inclusion of intronic material. Variants that disrupt the consensus splice site are a relatively common cause of aberrant splicing and loss of GJB2 function. Several computational tools predict a significant impact on normal splicing: Four predict the variant abolishes a 3' acceptor site. However, these predictions have yet to be confirmed by functional studies. The variant allele was found at a frequency of 1.9e-06 in 1601428 control chromosomes (gnomAD v4.1). To our knowledge, no occurrence of c.-22-2A>G in individuals affected with Non-Syndromic Hearing Loss and no experimental evidence demonstrating its impact on protein function have been reported. However, a different variant affecting the same nucleotide, c.-22-2A>C, has been reported in affected individuals, and a functional study (PMID 24039984) demonstrated that it abolished the canonical splice-site, resulting in the utilization of two upstream cryptic intronic splice-sites, with a lower expression of two slightly longer transcripts (not affecting the coding part); this variant was classified as likely pathogenic for post-lingual, mild-moderate hearing loss by our lab. These data suggest that other variants that are predicted to disrupt the same splice-site might have similar effect. ClinVar contains an entry for this variant (Variation ID: 551912). Based on the evidence outlined above, the variant was classified as VUS-possibly pathogenic.

Fulgent Genetics
Classification: Likely pathogenic for Mutilating keratoderma; Autosomal dominant keratitis-ichthyosis-hearing loss syndrome; Palmoplantar keratoderma-deafness syndrome; Knuckle pads, deafness AND leukonychia syndrome; Autosomal recessive nonsyndromic hearing loss 1A; Autosomal dominant nonsyndromic hearing loss 3A. Last evaluated: 2024-05-26. Review status: criteria provided, single submitter. Criteria: ACMG Guidelines, 2015. Collection method: clinical testing. Allele origin: germline.

Counsyl
Classification: Uncertain significance for Autosomal recessive nonsyndromic hearing loss 1A. Last evaluated: 2017-05-12. Review status: no assertion criteria provided. Collection method: clinical testing. Allele origin: unknown. Not counted in ClinVar's aggregate classification.

NM_004004.6(GJB2):c.-22-2A>G

Gene: GJB2 (gap junction protein beta 2; minus strand). Cytogenetic location: 13q12.11.
Variant type: single nucleotide variant.
Coding change: c.-22-2A>G on transcript NM_004004.6 (MANE Select); the canonical splice acceptor site of the intron before 22 bases upstream of the start codon, A replaced by G.
Molecular consequence: splice acceptor variant.
Genome position (GRCh38, 1-based): chr13:20,189,605, T>C on the plus strand (A>G on the coding strand, the complement: GJB2 is on the minus strand). VCF-style: chr13-20189605-T-C. GRCh37 (hg19) VCF-style: chr13-20763744-T-C.
Identifiers: ClinVar variation 551912 (VCV000551912.5), dbSNP rs201895089, ClinGen allele CA246461181.
Genomic context (GRCh38, chr13:20,189,605, plus strand): 5'-CACCCCCCAGGATCGTCTGCAGCGTGCCCCAATCCATCTTCTACTCTGGGCGGTTTGCTC[T>C]GGAAAAGACGAATGCACACAACACAGGAATCACTAGCTAGGACAGAACAGGGAGACTTCT-3'